The following is an entry in ClinVar:

NM_144997.7(FLCN):c.507G>T (p.Trp169Cys)

Gene: FLCN (folliculin; minus strand). Cytogenetic location: 17p11.2.
Variant type: single nucleotide variant.
Coding change: c.507G>T on transcript NM_144997.7 (MANE Select); coding-DNA position 507, G replaced by T.
Protein change: p.Trp169Cys; replaces tryptophan 169 with cysteine.
Molecular consequence: missense variant.
Genome position (GRCh38, 1-based): chr17:17,224,033, C>A on the plus strand (G>T on the coding strand, the complement: FLCN is on the minus strand). VCF-style: chr17-17224033-C-A. GRCh37 (hg19) VCF-style: chr17-17127347-C-A.
Other names: c.561G>T, p.Trp187Cys (NM_001353229.2); c.507G>T, p.Trp169Cys (NM_001353230.2, NM_001353231.2, NM_144606.7); short protein forms W169C, W187C.
Identifiers: ClinVar variation 4774056 (VCV004774056.1).
Genomic context (GRCh38, chr17:17,224,033, plus strand): 5'-CAGGAAGGGCCAGGAGTTGATGAGGTAGATCCGGTCCATCATGATGGTGATGATGCTGTA[C>A]CAGCGCTGGAAGCCCCTGGCCAGGCTGTCCTTGATGAAGAAGGTGTGGCTGAACACAAAG-3'
Protein context (NP_659434.2, residues 159-179): KDSLARGFQR[Trp169Cys]YSIITIMMDR

ClinVar aggregate classification (germline): Uncertain significance (1 of 4 stars; one submission).

Conditions:
Birt-Hogg-Dube syndrome. Also called: Birt Hogg Dubé syndrome. Identifiers: Orphanet 122, MedGen C0346010, MONDO:0800444.

Submission:

Labcorp Genetics (formerly Invitae), Labcorp
Classification: Uncertain significance for Birt-Hogg-Dube syndrome. Last evaluated: 2025-10-19. Review status: criteria provided, single submitter. Criteria: Invitae Variant Classification Sherloc (09022015). Collection method: clinical testing. Allele origin: germline.
Comment: This sequence change replaces tryptophan, which is neutral and slightly polar, with cysteine, which is neutral and slightly polar, at codon 169 of the FLCN protein (p.Trp169Cys). This variant is not present in population databases (gnomAD no frequency). This variant has not been reported in the literature in individuals affected with FLCN-related conditions. Invitae Evidence Modeling of protein sequence and biophysical properties (such as structural, functional, and spatial information, amino acid conservation, physicochemical variation, residue mobility, and thermodynamic stability) indicates that this missense variant is not expected to disrupt FLCN protein function with a negative predictive value of 80%. In summary, the available evidence is currently insufficient to determine the role of this variant in disease. Therefore, it has been classified as a Variant of Uncertain Significance.